The following is an entry in ClinVar:

ClinVar aggregate classification (germline): Benign (1 of 4 stars; one submission).

Allele frequency attached by ClinVar (database versions not stated): gnomAD exomes 0.34284 and 0.38202; ExAC 0.38539; ESP Exome Variant Server 0.42834; gnomAD 0.43446 and 0.43605; TOPMed 0.43727; 1000 Genomes Project 0.46725; 1000 Genomes Project 30x 0.47626.
gnomAD v4.1: 568,960 of 1,613,718 alleles (35%); highest among the groups gnomAD compares: African/African-American, 65%; 106,430 homozygotes.

Submission:

Laboratory for Molecular Medicine, Mass General Brigham Personalized Medicine
Classification: Benign. Last evaluated: 2016-03-29. Review status: criteria provided, single submitter. Criteria: LMM Criteria. Collection method: clinical testing. Allele origin: germline.
Comment: Variant identified in a genome or exome case(s) and assessed due to predicted null impact of the variant or pathogenic assertions in the literature or databases. Disclaimer: This variant has not undergone full assessment. The following are preliminary notes: Frequency

NM_172166.4(MSH5):c.2148A>G (p.Gln716=)

Genes: MSH5 (mutS homolog 5; plus strand), MSH5-SAPCD1 (MSH5-SAPCD1 readthrough (NMD candidate); plus strand). Cytogenetic location: 6p21.33.
Variant type: single nucleotide variant.
Coding change: c.2148A>G on transcript NM_172166.4 (MANE Select); coding-DNA position 2148, A replaced by G.
Protein change: p.Gln716=; no amino-acid change (glutamine 716 retained).
Molecular consequence: synonymous variant. On other transcripts: non-coding transcript variant (1).
Genome position (GRCh38, 1-based): chr6:31,761,582, A>G. VCF-style: chr6-31761582-A-G. GRCh37 (hg19) VCF-style: chr6-31729359-A-G.
Other names: c.2148A>G, p.Gln716= (NM_002441.5); c.2202A>G, p.Gln734= (NM_025259.6); c.2151A>G, p.Gln717= (NM_172165.4).
Identifiers: ClinVar variation 403112 (VCV000403112.4), dbSNP rs707938, ClinGen allele CA3721533.